The following is an entry in ClinVar:

ClinVar aggregate classification (germline): Uncertain significance (1 of 4 stars; one submission).

Conditions:
FGFR2-related craniosynostosis. Identifiers: MedGen CN231480.

gnomAD v4.1: 1 of 1,612,836 alleles (0.000062%); highest among the groups gnomAD compares: Non-Finnish European, 0.000085%; no homozygotes.

Submission:

Labcorp Genetics (formerly Invitae), Labcorp
Classification: Uncertain significance for FGFR2-related craniosynostosis. Last evaluated: 2025-06-12. Review status: criteria provided, single submitter. Criteria: Invitae Variant Classification Sherloc (09022015). Collection method: clinical testing. Allele origin: germline.
Comment: This sequence change replaces aspartic acid, which is acidic and polar, with asparagine, which is neutral and polar, at codon 738 of the FGFR2 protein (p.Asp738Asn). This variant is not present in population databases (gnomAD no frequency). This variant has not been reported in the literature in individuals affected with FGFR2-related conditions. ClinVar contains an entry for this variant (Variation ID: 3640971). Invitae Evidence Modeling of protein sequence and biophysical properties (such as structural, functional, and spatial information, amino acid conservation, physicochemical variation, residue mobility, and thermodynamic stability) indicates that this missense variant is not expected to disrupt FGFR2 protein function with a negative predictive value of 80%. In summary, the available evidence is currently insufficient to determine the role of this variant in disease. Therefore, it has been classified as a Variant of Uncertain Significance.

NM_000141.5(FGFR2):c.2212G>A (p.Asp738Asn)

Gene: FGFR2 (fibroblast growth factor receptor 2; minus strand). Cytogenetic location: 10q26.13.
Variant type: single nucleotide variant.
Coding change: c.2212G>A on transcript NM_000141.5 (MANE Select); coding-DNA position 2212, G replaced by A.
Protein change: p.Asp738Asn; replaces aspartic acid 738 with asparagine.
Molecular consequence: missense variant. On other transcripts: non-coding transcript variant (1).
Genome position (GRCh38, 1-based): chr10:121,483,787, C>T on the plus strand (G>A on the coding strand, the complement: FGFR2 is on the minus strand). VCF-style: chr10-121483787-C-T. GRCh37 (hg19) VCF-style: chr10-123243301-C-T.
Other names: c.2215G>A, p.Asp739Asn (NM_001144913.1, NM_022970.4); c.1876G>A, p.Asp626Asn (NM_001144914.1); c.1945G>A, p.Asp649Asn (NM_001144915.2, NM_023029.3); c.1867G>A, p.Asp623Asn (NM_001144916.2); c.1864G>A, p.Asp622Asn (NM_001144917.2); c.1861G>A, p.Asp621Asn (NM_001144918.2); c.1948G>A, p.Asp650Asn (NM_001144919.2); c.1528G>A, p.Asp510Asn (NM_001320654.2); and 1 more; short protein forms D623N, D649N, D738N, D510N, D622N, D626N, D621N, D650N.
Identifiers: ClinVar variation 3640971 (VCV003640971.2).
Genomic context (GRCh38, chr10:121,483,787, plus strand): 5'-CCAAGTCTTCTACCAACTGCTTGAACGTTGGTCTCTGGGAGGGCACTGCATGCCAACAGT[C>T]CCTCATCATCATGTACCTGGGAAAAATGGATTTCCTTGAATTAATTTCATATGCACTGGG-3'
Protein context (NP_000132.3, residues 728-748): CTNELYMMMR[Asp738Asn]CWHAVPSQRP